The following is an entry in ClinVar:

ClinVar aggregate classification (germline): Uncertain significance. Review status: criteria provided, multiple submitters, no conflicts (2 of 4 stars). 3 submissions from 3 submitters: Uncertain significance (3). Last evaluated 2026-06-09.

Conditions:
Inborn genetic diseases. Identifiers: MedGen C0950123, MeSH D030342.
Neuropathy, hereditary sensory, type 1F. Also called: Hereditary sensory neuropathy type IF; HSN IF. Identifiers: Orphanet 36386, MedGen C3810194, MONDO:0014286, OMIM 615632.

Allele frequency attached by ClinVar (database versions not stated): ExAC 0.00003; TOPMed 0.00003; gnomAD 0.00005; ESP Exome Variant Server 0.00017.
gnomAD v4.1: 56 of 1,601,684 alleles (0.0035%); highest among the groups gnomAD compares: Non-Finnish European, 0.0043%; no homozygotes.

Submissions (3):

Women's Health and Genetics/Laboratory Corporation of America, LabCorp
Classification: Uncertain significance. Last evaluated: 2026-06-09. Review status: criteria provided, single submitter. Criteria: LabCorp Variant Classification Summary - May 2015. Collection method: clinical testing. Allele origin: germline.
Comment: Variant summary: ATL3 c.850+5G>A alters a nucleotide located close to a canonical splice site and therefore could affect mRNA splicing, leading to a significantly altered protein sequence. Several computational tools predict a significant impact on normal splicing: Two predict the variant abolishes a 5' splicing donor site. Two predict the variant weakens a 5' donor site. One predict the variant weakens a cryptic 5' donor site. However, these predictions have yet to be confirmed by functional studies. The variant allele was found at a frequency of 2.9e-05 in 239882 control chromosomes. The available data on variant occurrences in the general population are insufficient to allow any conclusion about variant significance. To our knowledge, no occurrence of c.850+5G>A in individuals affected with ATL3-related conditions and no experimental evidence demonstrating its impact on protein function have been reported. ClinVar contains an entry for this variant (Variation ID: 863744). Based on the evidence outlined above, the variant was classified as uncertain significance.

Labcorp Genetics (formerly Invitae), Labcorp
Classification: Uncertain significance for Neuropathy, hereditary sensory, type 1F. Last evaluated: 2025-09-14. Review status: criteria provided, single submitter. Criteria: Invitae Variant Classification Sherloc (09022015). Collection method: clinical testing. Allele origin: germline.
Comment: This sequence change falls in intron 8 of the ATL3 gene. It does not directly change the encoded amino acid sequence of the ATL3 protein. It affects a nucleotide within the consensus splice site. This variant is present in population databases (rs371251074, gnomAD 0.008%). This variant has not been reported in the literature in individuals affected with ATL3-related conditions. ClinVar contains an entry for this variant (Variation ID: 863744). Variants that disrupt the consensus splice site are a relatively common cause of aberrant splicing (PMID: 17576681, 9536098). Algorithms developed to predict the effect of sequence changes on RNA splicing suggest that this variant may disrupt the consensus splice site. In summary, the available evidence is currently insufficient to determine the role of this variant in disease. Therefore, it has been classified as a Variant of Uncertain Significance.

Ambry Genetics
Classification: Uncertain significance for Inborn genetic diseases. Last evaluated: 2021-02-18. Review status: criteria provided, single submitter. Criteria: Ambry Variant Classification Scheme 2023. Collection method: clinical testing. Allele origin: germline.
Comment: The c.850+5G>A intronic variant results from a G to A substitution 5 nucleotides after coding exon 8 in the ATL3 gene. This nucleotide position is highly conserved in available vertebrate species. In silico splice site analysis predicts that this alteration may weaken the native splice donor site. Since supporting evidence is limited at this time, the clinical significance of this alteration remains unclear.

Literature cited by the submitters: PubMed 17576681 (cited by Labcorp Genetics (formerly Invitae), Labcorp); PubMed 9536098 (cited by Labcorp Genetics (formerly Invitae), Labcorp).

NM_015459.5(ATL3):c.850+5G>A

Genes: ATL3 (atlastin GTPase 3; minus strand), LNCROPM (lncRNA regulator of PLAAT3 mediated phospholipid metabolism; plus strand). Cytogenetic location: 11q13.1.
Variant type: single nucleotide variant.
Coding change: c.850+5G>A on transcript NM_015459.5 (MANE Select); 5 bases into the intron after coding-DNA position 850, G replaced by A.
Molecular consequence: intron variant.
Genome position (GRCh38, 1-based): chr11:63,643,352, C>T on the plus strand (G>A on the coding strand, the complement: ATL3 is on the minus strand). VCF-style: chr11-63643352-C-T. GRCh37 (hg19) VCF-style: chr11-63410824-C-T.
Other names: c.796+5G>A (NM_001290048.2).
Identifiers: ClinVar variation 863744 (VCV000863744.10), dbSNP rs371251074, ClinGen allele CA6063675.
Genomic context (GRCh38, chr11:63,643,352, plus strand): 5'-AAGTGATTCATTATTTTTAATTCCAAAGATCGAATCACAGGTTTAAAATAACACCTGGAA[C>T]ACACCTTTTAATTTCCCATCAAAGTCAGGGCTTGTGGCCACCTGGAGTCCTGGATGTGGT-3'